The following is an entry in ClinVar:

NM_032608.7(MYO18B):c.4216G>A (p.Ala1406Thr)

Gene: MYO18B (myosin XVIIIB; plus strand). Cytogenetic location: 22q12.1.
Variant type: single nucleotide variant.
Coding change: c.4216G>A on transcript NM_032608.7 (MANE Select); coding-DNA position 4216, G replaced by A.
Protein change: p.Ala1406Thr; replaces alanine 1406 with threonine.
Molecular consequence: missense variant.
Genome position (GRCh38, 1-based): chr22:25,876,324, G>A. VCF-style: chr22-25876324-G-A. GRCh37 (hg19) VCF-style: chr22-26272291-G-A.
Other names: c.4219G>A, p.Ala1407Thr (NM_001318245.2); short protein forms A1406T, A1407T.
Identifiers: ClinVar variation 1469644 (VCV001469644.5), dbSNP rs1447055412, ClinGen allele CA411007579.

ClinVar aggregate classification (germline): Uncertain significance (1 of 4 stars; one submission).

Allele frequency attached by ClinVar (database versions not stated): gnomAD 0.00001; gnomAD exomes 0.00001.
gnomAD v4.1: 1 of 1,610,684 alleles (0.000062%); highest among the groups gnomAD compares: Non-Finnish European, 0.000085%; no homozygotes.

Submission:

Labcorp Genetics (formerly Invitae), Labcorp
Classification: Uncertain significance. Last evaluated: 2021-09-24. Review status: criteria provided, single submitter. Criteria: Invitae Variant Classification Sherloc (09022015). Collection method: clinical testing. Allele origin: germline.
Comment: This sequence change replaces alanine with threonine at codon 1406 of the MYO18B protein (p.Ala1406Thr). The alanine residue is moderately conserved and there is a small physicochemical difference between alanine and threonine. This variant is not present in population databases (ExAC no frequency). This variant has not been reported in the literature in individuals with MYO18B-related conditions. Algorithms developed to predict the effect of missense changes on protein structure and function output the following: SIFT: "Not Available"; PolyPhen-2: "Benign"; Align-GVGD: "Not Available". The threonine amino acid residue is found in multiple mammalian species, suggesting that this missense change does not adversely affect protein function. These predictions have not been confirmed by published functional studies and their clinical significance is uncertain. In summary, the available evidence is currently insufficient to determine the role of this variant in disease. Therefore, it has been classified as a Variant of Uncertain Significance.